The following is an entry in ClinVar:

NM_001082971.2(DDC):c.822C>T (p.Tyr274=)

Gene: DDC (dopa decarboxylase; minus strand). Cytogenetic location: 7p12.2.
Variant type: single nucleotide variant.
Coding change: c.822C>T on transcript NM_001082971.2 (MANE Select); coding-DNA position 822, C replaced by T.
Protein change: p.Tyr274=; no amino-acid change (tyrosine 274 retained).
Molecular consequence: synonymous variant.
Genome position (GRCh38, 1-based): chr7:50,499,202, G>A on the plus strand (C>T on the coding strand, the complement: DDC is on the minus strand). VCF-style: chr7-50499202-G-A. GRCh37 (hg19) VCF-style: chr7-50566900-G-A.
Other names: c.822C>T, p.Tyr274= (NM_000790.4, NM_001242890.2); c.708C>T, p.Tyr236= (NM_001242886.2); c.678C>T, p.Tyr226= (NM_001242887.2); c.588C>T, p.Tyr196= (NM_001242888.2); c.543C>T, p.Tyr181= (NM_001242889.2).
Identifiers: ClinVar variation 911386 (VCV000911386.37), dbSNP rs746729797, ClinGen allele CA4262224.

ClinVar aggregate classification (germline): Conflicting classifications of pathogenicity. Review status: criteria provided, conflicting classifications (1 of 4 stars). 4 submissions from 4 submitters: Uncertain significance (1); Likely benign (2). 1 of the submissions does not count toward it. Last evaluated 2026-09-01.

Conditions:
DDC-related disorder. Also called: DDC-related condition.
Deficiency of aromatic-L-amino-acid decarboxylase. Also called: AADC DEFICIENCY; DDC DEFICIENCY; DOPA DECARBOXYLASE DEFICIENCY; Aromatic amino acid decarboxylase deficiency; Aromatic L-Amino Acid Decarboxylase Deficiency. Identifiers: Orphanet 35708, MedGen C1291564, MONDO:0012084, OMIM 608643.

Allele frequency attached by ClinVar (database versions not stated): gnomAD 0.00005 and 0.00004; ExAC 0.00007; gnomAD exomes 0.00007 and 0.00004; TOPMed 0.00004.
gnomAD v4.1: 64 of 1,613,798 alleles (0.004%); highest among the groups gnomAD compares: Middle Eastern, 0.016%; no homozygotes.

Submissions (4):

CeGaT Center for Human Genetics Tuebingen
Classification: Likely benign. Last evaluated: 2026-09-01. Review status: criteria provided, single submitter. Criteria: CeGaT Center For Human Genetics Tuebingen Variant Classification Criteria Version 2. Collection method: clinical testing. Allele origin: germline. Affected: yes. Observed: 2 variant alleles.
Comment: DDC: BP4, BP7

Labcorp Genetics (formerly Invitae), Labcorp
Classification: Likely benign for Deficiency of aromatic-L-amino-acid decarboxylase. Last evaluated: 2025-12-03. Review status: criteria provided, single submitter. Criteria: Invitae Variant Classification Sherloc (09022015). Collection method: clinical testing. Allele origin: germline.

Illumina Laboratory Services, Illumina
Classification: Uncertain significance for Deficiency of aromatic-L-amino-acid decarboxylase. Last evaluated: 2017-04-28. Review status: criteria provided, single submitter. Criteria: ICSL Variant Classification Criteria 13 December 2019. Collection method: clinical testing. Allele origin: germline.
Comment: This variant was observed as part of a predisposition screen in an ostensibly healthy population. A literature search was performed for the gene, cDNA change, and amino acid change (where applicable). Publications were found based on this search. However, the evidence from the literature, in combination with allele frequency data from public databases where available, was not sufficient to rule this variant in or out of causing disease. Therefore, this variant is classified as a variant of unknown significance.

PreventionGenetics, part of Exact Sciences
Classification: Likely benign for DDC-related condition. Last evaluated: 2020-01-30. Review status: no assertion criteria provided. Collection method: clinical testing. Allele origin: germline. Not counted in ClinVar's aggregate classification.
Comment: This variant is classified as likely benign based on ACMG/AMP sequence variant interpretation guidelines (Richards et al. 2015 PMID: 25741868, with internal and published modifications).

Literature cited by the submitters: PubMed 24865461 (cited by Illumina Laboratory Services, Illumina); PubMed 22143761 (cited by Illumina Laboratory Services, Illumina).